The following is an entry in ClinVar:

ClinVar aggregate classification (germline): Uncertain significance (1 of 4 stars; one submission).

Conditions:
Hyperkalemic periodic paralysis. Also called: Familial hyperkalemic periodic paralysis; Gamstorp disease. Identifiers: Orphanet 682, MedGen C0238357, MONDO:0008224, OMIM 170500, HP:0007215.

Submission:

Labcorp Genetics (formerly Invitae), Labcorp
Classification: Uncertain significance for Hyperkalemic periodic paralysis. Last evaluated: 2023-11-27. Review status: criteria provided, single submitter. Criteria: Invitae Variant Classification Sherloc (09022015). Collection method: clinical testing. Allele origin: germline.
Comment: This sequence change replaces lysine, which is basic and polar, with glutamine, which is neutral and polar, at codon 1403 of the SCN4A protein (p.Lys1403Gln). This variant is not present in population databases (gnomAD no frequency). This variant has not been reported in the literature in individuals affected with SCN4A-related conditions. ClinVar contains an entry for this variant (Variation ID: 2091434). Advanced modeling of protein sequence and biophysical properties (such as structural, functional, and spatial information, amino acid conservation, physicochemical variation, residue mobility, and thermodynamic stability) performed at Invitae indicates that this missense variant is expected to disrupt SCN4A protein function with a positive predictive value of 95%. In summary, the available evidence is currently insufficient to determine the role of this variant in disease. Therefore, it has been classified as a Variant of Uncertain Significance.

NM_000334.4(SCN4A):c.4207A>C (p.Lys1403Gln)

Genes: GH-LCR (growth hormone locus control region; plus strand), SCN4A (sodium voltage-gated channel alpha subunit 4; minus strand). Cytogenetic location: 17q23.3.
Variant type: single nucleotide variant.
Coding change: c.4207A>C on transcript NM_000334.4 (MANE Select); coding-DNA position 4207, A replaced by C.
Protein change: p.Lys1403Gln; replaces lysine 1403 with glutamine.
Molecular consequence: missense variant.
Genome position (GRCh38, 1-based): chr17:63,942,907, T>G on the plus strand (A>C on the coding strand, the complement: SCN4A is on the minus strand). VCF-style: chr17-63942907-T-G. GRCh37 (hg19) VCF-style: chr17-62020267-T-G.
Other names: short protein forms K1403Q.
Identifiers: ClinVar variation 2091434 (VCV002091434.4), dbSNP rs1555601021, ClinGen allele CA400616490.